The following is an entry in ClinVar:

ClinVar aggregate classification (germline): Likely pathogenic (1 of 4 stars; one submission).

Conditions:
Sulfite oxidase deficiency due to molybdenum cofactor deficiency type C. Also called: Molybdenum cofactor deficiency, complementation group C; Molybdenum cofactor deficiency C. Identifiers: Orphanet 308400, Orphanet 833, MedGen C1854990, MONDO:0014212, OMIM 615501.

Submission:

Labcorp Genetics (formerly Invitae), Labcorp
Classification: Likely pathogenic for Sulfite oxidase deficiency due to molybdenum cofactor deficiency type C. Last evaluated: 2022-02-22. Review status: criteria provided, single submitter. Criteria: Invitae Variant Classification Sherloc (09022015). Collection method: clinical testing. Allele origin: germline.
Comment: This variant results in the deletion of part of exon 7 (c.589_729+150del) of the GPHN gene. It is expected to disrupt RNA splicing. Variants that disrupt the donor or acceptor splice site typically lead to a loss of protein function (PMID: 16199547), and loss-of-function variants in GPHN are known to be pathogenic (PMID: 11095995, 23184456, 23393157). This variant is not present in population databases (gnomAD no frequency). This variant has not been reported in the literature in individuals affected with GPHN-related conditions. Algorithms developed to predict the effect of sequence changes on RNA splicing suggest that this variant may disrupt the consensus splice site. In summary, the currently available evidence indicates that the variant is pathogenic, but additional data are needed to prove that conclusively. Therefore, this variant has been classified as Likely Pathogenic.

Literature cited by the submitters: PubMed 16199547; PubMed 11095995; PubMed 23184456; PubMed 23393157.

NM_020806.5(GPHN):c.589_729+150del

Gene: GPHN (gephyrin; plus strand). Cytogenetic location: 14q23.3.
Variant type: Deletion.
Coding change: c.589_729+150del on transcript NM_020806.5 (MANE Select); coding-DNA position 589 through 150 bases into the intron after coding-DNA position 729, 291 bases deleted.
Molecular consequence: splice donor variant.
Genome position (GRCh38, 1-based): chr14:66,922,798-66,923,088, 291 bases deleted. GRCh37 (hg19): chr14:67,389,515-67,389,805.
Other names: c.628_768+150del (NM_001377514.1, NM_001377519.1); c.589_729+150del (NM_001377515.1, NM_001377516.1, NM_001377518.1 and 2 more transcripts).
Identifiers: ClinVar variation 2102188 (VCV002102188.4), dbSNP rs2549615253, ClinGen allele CA2580088560.